The following is an entry in ClinVar:

ClinVar aggregate classification (germline): Uncertain significance (1 of 4 stars; one submission).

gnomAD v4.1: 32 of 1,614,150 alleles (0.002%); highest among the groups gnomAD compares: Admixed American, 0.022%; no homozygotes.

Submission:

Mayo Clinic Laboratories, Mayo Clinic
Classification: Uncertain significance. Last evaluated: 2025-01-14. Review status: criteria provided, single submitter. Criteria: ACMG Guidelines, 2015. Collection method: clinical testing. Allele origin: germline. Observed: 2 variant alleles.
Comment: BP4_moderate, PM1_supporting

NM_001102416.3(KNG1):c.452C>T (p.Thr151Met)

Gene: KNG1 (kininogen 1; plus strand). Cytogenetic location: 3q27.3.
Variant type: single nucleotide variant.
Coding change: c.452C>T on transcript NM_001102416.3 (MANE Select); coding-DNA position 452, C replaced by T.
Protein change: p.Thr151Met; replaces threonine 151 with methionine.
Molecular consequence: missense variant.
Genome position (GRCh38, 1-based): chr3:186,725,148, C>T. VCF-style: chr3-186725148-C-T. GRCh37 (hg19) VCF-style: chr3-186442937-C-T.
Other names: p.Thr151Met; c.452C>T, p.Thr151Met (NM_000893.4, NM_001166451.2); short protein forms T151M.
Identifiers: ClinVar variation 4540957 (VCV004540957.1).